The following is an entry in ClinVar:

ClinVar aggregate classification (germline): Uncertain significance (1 of 4 stars; one submission).

Allele frequency attached by ClinVar (database versions not stated): gnomAD 0.00003; gnomAD exomes 0.00003; ExAC 0.00004; TOPMed 0.00006; ESP Exome Variant Server 0.00015.
gnomAD v4.1: 46 of 1,605,108 alleles (0.0029%); highest among the groups gnomAD compares: Admixed American, 0.0034%; 1 homozygote.

Submission:

Labcorp Genetics (formerly Invitae), Labcorp
Classification: Uncertain significance. Last evaluated: 2024-02-17. Review status: criteria provided, single submitter. Criteria: Invitae Variant Classification Sherloc (09022015). Collection method: clinical testing. Allele origin: germline.
Comment: This sequence change replaces glutamic acid, which is acidic and polar, with lysine, which is basic and polar, at codon 1189 of the DENND5A protein (p.Glu1189Lys). This variant is present in population databases (rs144559876, gnomAD 0.1%). This variant has not been reported in the literature in individuals affected with DENND5A-related conditions. ClinVar contains an entry for this variant (Variation ID: 2171034). Advanced modeling of protein sequence and biophysical properties (such as structural, functional, and spatial information, amino acid conservation, physicochemical variation, residue mobility, and thermodynamic stability) performed at Invitae indicates that this missense variant is not expected to disrupt DENND5A protein function with a negative predictive value of 80%. In summary, the available evidence is currently insufficient to determine the role of this variant in disease. Therefore, it has been classified as a Variant of Uncertain Significance.

NM_015213.4(DENND5A):c.3565G>A (p.Glu1189Lys)

Gene: DENND5A (DENN domain containing 5A; minus strand). Cytogenetic location: 11p15.4.
Variant type: single nucleotide variant.
Coding change: c.3565G>A on transcript NM_015213.4 (MANE Select); coding-DNA position 3565, G replaced by A.
Protein change: p.Glu1189Lys; replaces glutamic acid 1189 with lysine.
Molecular consequence: missense variant. On other transcripts: non-coding transcript variant (1).
Genome position (GRCh38, 1-based): chr11:9,142,055, C>T on the plus strand (G>A on the coding strand, the complement: DENND5A is on the minus strand). VCF-style: chr11-9142055-C-T. GRCh37 (hg19) VCF-style: chr11-9163602-C-T.
Other names: c.3565G>A, p.Glu1189Lys (NM_001243254.2, NM_001348748.1); c.3493G>A, p.Glu1165Lys (NM_001348749.2); c.3277G>A, p.Glu1093Lys (NM_001348750.2); short protein forms E1093K, E1189K, E1165K.
Identifiers: ClinVar variation 2171034 (VCV002171034.2), dbSNP rs144559876, ClinGen allele CA5877001.